The following is an entry in ClinVar:

NM_003835.4(RGS9):c.1543C>T (p.Arg515Trp)

Gene: RGS9 (regulator of G protein signaling 9; plus strand). Cytogenetic location: 17q24.1.
Variant type: single nucleotide variant.
Coding change: c.1543C>T on transcript NM_003835.4 (MANE Select); coding-DNA position 1543, C replaced by T.
Protein change: p.Arg515Trp; replaces arginine 515 with tryptophan.
Molecular consequence: missense variant.
Genome position (GRCh38, 1-based): chr17:65,225,137, C>T. VCF-style: chr17-65225137-C-T. GRCh37 (hg19) VCF-style: chr17-63221255-C-T.
Other names: c.1534C>T, p.Arg512Trp (NM_001081955.3); short protein forms R515W, R512W.
Identifiers: ClinVar variation 1040856 (VCV001040856.8), dbSNP rs1298439298, ClinGen allele CA400673487.

ClinVar aggregate classification (germline): Uncertain significance (1 of 4 stars; one submission).

gnomAD v4.1: 7 of 1,613,774 alleles (0.00043%); highest among the groups gnomAD compares: East Asian, 0.0022%; no homozygotes.

Submission:

Labcorp Genetics (formerly Invitae), Labcorp
Classification: Uncertain significance. Last evaluated: 2020-06-02. Review status: criteria provided, single submitter. Criteria: Invitae Variant Classification Sherloc (09022015). Collection method: clinical testing. Allele origin: germline.
Comment: This sequence change replaces arginine with tryptophan at codon 515 of the RGS9 protein (p.Arg515Trp). The arginine residue is moderately conserved and there is a moderate physicochemical difference between arginine and tryptophan. This variant is not present in population databases (ExAC no frequency). This variant has not been reported in the literature in individuals with RGS9-related conditions. Algorithms developed to predict the effect of missense changes on protein structure and function are either unavailable or do not agree on the potential impact of this missense change (SIFT: "Deleterious"; PolyPhen-2: "Possibly Damaging"; Align-GVGD: "Class C0"). In summary, the available evidence is currently insufficient to determine the role of this variant in disease. Therefore, it has been classified as a Variant of Uncertain Significance.